The following is an entry in ClinVar:

ClinVar aggregate classification (germline): Pathogenic (1 of 4 stars; one submission).

Conditions:
Cardiovascular phenotype. Identifiers: MedGen CN230736.

Submission:

Ambry Genetics
Classification: Pathogenic for Cardiovascular phenotype. Last evaluated: 2024-04-04. Review status: criteria provided, single submitter. Criteria: Ambry Variant Classification Scheme 2023. Collection method: clinical testing. Allele origin: germline.
Comment: The c.3747dupC pathogenic mutation, located in coding exon 33 of the MYBPC3 gene, results from a duplication of C at nucleotide position 3747, causing a translational frameshift with a predicted alternate stop codon (p.I1250Hfs*16). This variant has been detected in an individual from a hypertrophic cardiomyopathy cohort (Field E et al. J Med Genet, 2022 Aug;59:768-775). This variant is considered to be rare based on population cohorts in the Genome Aggregation Database (gnomAD). This alteration is expected to result in loss of function by premature protein truncation or nonsense-mediated mRNA decay. As such, this alteration is interpreted as a disease-causing mutation.

Literature cited by the submitters: PubMed 34400558.

NM_000256.3(MYBPC3):c.3747dup (p.Ile1250fs)

Gene: MYBPC3 (myosin binding protein C3; minus strand). Cytogenetic location: 11p11.2.
Variant type: Duplication.
Coding change: c.3747dup on transcript NM_000256.3 (MANE Select); coding-DNA position 3747, one base duplicated (C; older notation c.3747dupC).
Protein change: p.Ile1250fs; shifts the reading frame from isoleucine 1250.
Molecular consequence: frameshift variant.
Genome position (GRCh38, 1-based): chr11:47,332,139, G duplicated on the plus strand (C on the coding strand, the reverse complement: MYBPC3 is on the minus strand). VCF-style (leftmost placement, unchanged base first): chr11-47332138-T-TG. GRCh37 (hg19) VCF-style: chr11-47353689-T-TG.
Other names: c.3747dupC (NM_000256.3); short protein forms I1250fs.
Identifiers: ClinVar variation 3297212 (VCV003297212.1).